The following is an entry in ClinVar:

NM_002693.3(POLG):c.2444G>T (p.Trp815Leu)

Gene: POLG (DNA polymerase gamma, catalytic subunit; minus strand). Cytogenetic location: 15q26.1.
Variant type: single nucleotide variant.
Coding change: c.2444G>T on transcript NM_002693.3 (MANE Select); coding-DNA position 2444, G replaced by T.
Protein change: p.Trp815Leu; replaces tryptophan 815 with leucine.
Molecular consequence: missense variant.
Genome position (GRCh38, 1-based): chr15:89,321,998, C>A on the plus strand (G>T on the coding strand, the complement: POLG is on the minus strand). VCF-style: chr15-89321998-C-A. GRCh37 (hg19) VCF-style: chr15-89865229-C-A.
Other names: c.2444G>T, p.Trp815Leu (NM_001126131.2); short protein forms W815L.
Identifiers: ClinVar variation 1384472 (VCV001384472.8), dbSNP rs2055404128, ClinGen allele CA393754986.

ClinVar aggregate classification (germline): Uncertain significance (1 of 4 stars; one submission).

Conditions:
Progressive sclerosing poliodystrophy (MTDPS4A). Also called: Mitochondrial DNA depletion syndrome 4A (Alpers type); ALPERS PROGRESSIVE INFANTILE POLIODYSTROPHY; NEURONAL DEGENERATION OF CHILDHOOD WITH LIVER DISEASE, PROGRESSIVE; Mitochondrial DNA Depletion Syndrome 4A; Alpers-Huttenlocher Syndrome (AHS); Alpers Syndrome. Identifiers: Orphanet 726, MedGen C0205710, MONDO:0008758, OMIM 203700.

Allele frequency attached by ClinVar (database versions not stated): gnomAD exomes below 0.00001; gnomAD 0.00001.
gnomAD v4.1: 2 of 1,614,070 alleles (0.00012%); highest among the groups gnomAD compares: African/African-American, 0.0027%; no homozygotes.

Submission:

Labcorp Genetics (formerly Invitae), Labcorp
Classification: Uncertain significance for Progressive sclerosing poliodystrophy. Last evaluated: 2025-09-02. Review status: criteria provided, single submitter. Criteria: Invitae Variant Classification Sherloc (09022015). Collection method: clinical testing. Allele origin: germline.
Comment: This sequence change replaces tryptophan, which is neutral and slightly polar, with leucine, which is neutral and non-polar, at codon 815 of the POLG protein (p.Trp815Leu). This variant is not present in population databases (gnomAD no frequency). This variant has not been reported in the literature in individuals affected with POLG-related conditions. ClinVar contains an entry for this variant (Variation ID: 1384472). Invitae Evidence Modeling of protein sequence and biophysical properties (such as structural, functional, and spatial information, amino acid conservation, physicochemical variation, residue mobility, and thermodynamic stability) indicates that this missense variant is expected to disrupt POLG protein function with a positive predictive value of 95%. In summary, the available evidence is currently insufficient to determine the role of this variant in disease. Therefore, it has been classified as a Variant of Uncertain Significance.